The following is an entry in ClinVar:

ClinVar aggregate classification (germline): Uncertain significance (1 of 4 stars; one submission).

Conditions:
SEMA3G-related disorder. Also called: SEMA3G-related condition.

gnomAD v4.1: 5 of 1,614,116 alleles (0.00031%); highest among the groups gnomAD compares: Non-Finnish European, 0.00042%; no homozygotes.

Submission:

PreventionGenetics, part of Exact Sciences
Classification: Uncertain significance for SEMA3G-related condition. Last evaluated: 2024-11-25. Review status: criteria provided, single submitter. Criteria: ACMG Guidelines, 2015. Collection method: clinical testing. Allele origin: germline.
Comment: The SEMA3G c.2266G>A variant is predicted to result in the amino acid substitution p.Ala756Thr. To our knowledge, this variant has not been reported in the literature or in a large population database (gnomAD), indicating this variant is rare. At this time, the clinical significance of this variant is uncertain due to the absence of conclusive functional and genetic evidence.

NM_020163.3(SEMA3G):c.2266G>A (p.Ala756Thr)

Gene: SEMA3G (semaphorin 3G; minus strand). Cytogenetic location: 3p21.1.
Variant type: single nucleotide variant.
Coding change: c.2266G>A on transcript NM_020163.3 (MANE Select); coding-DNA position 2266, G replaced by A.
Protein change: p.Ala756Thr; replaces alanine 756 with threonine.
Molecular consequence: missense variant.
Genome position (GRCh38, 1-based): chr3:52,435,686, C>T on the plus strand (G>A on the coding strand, the complement: SEMA3G is on the minus strand). VCF-style: chr3-52435686-C-T. GRCh37 (hg19) VCF-style: chr3-52469702-C-T.
Other names: short protein forms A756T.
Identifiers: ClinVar variation 4989237 (VCV004989237.1).